The following is an entry in ClinVar:

ClinVar aggregate classification (germline): Pathogenic (1 of 4 stars; one submission).

Conditions:
Familial dysautonomia. Also called: HSAN III; FD. Identifiers: Orphanet 1764, MedGen C0013364, MONDO:0009131, OMIM 223900. Disease mechanism: loss of function.

Submission:

Myriad Genetics, Inc.
Classification: Pathogenic for Familial dysautonomia. Last evaluated: 2023-09-21. Review status: criteria provided, single submitter. Criteria: Myriad Autosomal Dominant, Autosomal Recessive and X-Linked Classification Criteria (2023). Collection method: clinical testing. Allele origin: unknown.
Comment: NM_003640.3(ELP1):c.1945_1947del3ins10(E649Kfs*25) is expected to be pathogenic in the context of familial dysautonomia. This variant is predicted to lead to an abnormal or absent protein product due to the creation of a premature termination codon in ELP1, a gene where loss-of-function variants are known to be pathogenic. Please note: this variant was assessed in the context of healthy population screening.

NM_003640.5(ELP1):c.1945_1947delinsAAGAGACAGT (p.Glu649fs)

Gene: ELP1 (elongator acetyltransferase complex subunit 1; minus strand). Cytogenetic location: 9q31.3.
Variant type: Indel.
Coding change: c.1945_1947delinsAAGAGACAGT on transcript NM_003640.5 (MANE Select); coding-DNA positions 1945 to 1947, GAG replaced by AAGAGACAGT.
Protein change: p.Glu649fs; shifts the reading frame from glutamic acid 649.
Molecular consequence: frameshift variant.
Genome position (GRCh38, 1-based): chr9:108,901,492-108,901,494, CTC replaced by ACTGTCTCTT on the plus strand (GAG replaced by AAGAGACAGT on the coding strand, the reverse complement: ELP1 is on the minus strand). VCF-style: chr9-108901492-CTC-ACTGTCTCTT. GRCh37 (hg19) VCF-style: chr9-111663772-CTC-ACTGTCTCTT.
Other names: c.1603_1605delinsAAGAGACAGT, p.Glu535fs (NM_001318360.2); c.898_900delinsAAGAGACAGT, p.Glu300fs (NM_001330749.2); short protein forms E300fs, E535fs, E649fs.
Identifiers: ClinVar variation 5011701 (VCV005011701.1).
Genomic context (GRCh38, chr9:108,901,492, plus strand): 5'-TGAAGCATCCCTCAGGCAAAAACACTGGCAGGTATGGGAATGGGTTGTCAACAATAAAAA[CTC>ACTGTCTCTT]ATCATATACTGCAAATGACGTGATATTTGACGCAACCTGCAAGAGAAGGCCAGAGAGGCA-3'